The following is an entry in ClinVar:

ClinVar aggregate classification (germline): Uncertain significance (1 of 4 stars; one submission).

Conditions:
Syndromic intellectual disability. Also called: Intellectual disability syndrome. Identifiers: Orphanet 183763, MedGen C5680525, MONDO:0000508.

Submission:

Dasa
Classification: Uncertain significance for Syndromic intellectual disability. Last evaluated: 2025-12-18. Review status: criteria provided, single submitter. Criteria: DASA Assertion Criteria. Collection method: clinical testing. Allele origin: germline.
Comment: NM_015335.5(MED13L):c.3471G>T (p.Gln1157His) is a missense variant that results in the substitution of glutamine with histidine. This variant is absent from population databases. The currently available literature and clinical evidence are not sufficient to establish a definitive association between this variant and the reported condition. Therefore, this variant is classified as a variant of uncertain significance.

NM_015335.5(MED13L):c.3471G>T (p.Gln1157His)

Gene: MED13L (mediator complex subunit 13L; minus strand). Cytogenetic location: 12q24.21.
Variant type: single nucleotide variant.
Coding change: c.3471G>T on transcript NM_015335.5 (MANE Select); coding-DNA position 3471, G replaced by T.
Protein change: p.Gln1157His; replaces glutamine 1157 with histidine.
Molecular consequence: missense variant.
Genome position (GRCh38, 1-based): chr12:115,991,483, C>A on the plus strand (G>T on the coding strand, the complement: MED13L is on the minus strand). VCF-style: chr12-115991483-C-A. GRCh37 (hg19) VCF-style: chr12-116429288-C-A.
Other names: short protein forms Q1157H.
Identifiers: ClinVar variation 4882732 (VCV004882732.2).